The following is an entry in ClinVar:

ClinVar aggregate classification (germline): Uncertain significance. Review status: criteria provided, multiple submitters, no conflicts (2 of 4 stars). 2 submissions from 2 submitters: Uncertain significance (2). Last evaluated 2021-09-01.

Allele frequency attached by ClinVar (database versions not stated): TOPMed 0.00014; ExAC 0.00016; gnomAD 0.00016 and 0.00017; gnomAD exomes 0.00018; ESP Exome Variant Server 0.00023.

Submissions (2):

Labcorp Genetics (formerly Invitae), Labcorp
Classification: Uncertain significance. Last evaluated: 2021-09-01. Review status: criteria provided, single submitter. Criteria: Invitae Variant Classification Sherloc (09022015). Collection method: clinical testing. Allele origin: germline.
Comment: This sequence change replaces arginine with cysteine at codon 368 of the VDR protein (p.Arg368Cys). The arginine residue is highly conserved and there is a large physicochemical difference between arginine and cysteine. This variant is present in population databases (rs78942213, ExAC 0.03%). This variant has not been reported in the literature in individuals affected with VDR-related conditions. Algorithms developed to predict the effect of missense changes on protein structure and function (SIFT, PolyPhen-2, Align-GVGD) all suggest that this variant is likely to be disruptive. In summary, the available evidence is currently insufficient to determine the role of this variant in disease. Therefore, it has been classified as a Variant of Uncertain Significance.

GeneDx
Classification: Uncertain significance. Last evaluated: 2019-12-30. Review status: criteria provided, single submitter. Criteria: GeneDx Variant Classification Process June 2021. Collection method: clinical testing. Allele origin: germline. Affected: yes.
Comment: In silico analysis, which includes protein predictors and evolutionary conservation, supports a deleterious effect; Has not been previously published as pathogenic or benign to our knowledge

NM_000376.3(VDR):c.1102C>T (p.Arg368Cys)

Gene: VDR (vitamin D receptor; minus strand). Cytogenetic location: 12q13.11.
Variant type: single nucleotide variant.
Coding change: c.1102C>T on transcript NM_000376.3 (MANE Select); coding-DNA position 1102, C replaced by T.
Protein change: p.Arg368Cys; replaces arginine 368 with cysteine.
Molecular consequence: missense variant.
Genome position (GRCh38, 1-based): chr12:47,844,928, G>A on the plus strand (C>T on the coding strand, the complement: VDR is on the minus strand). VCF-style: chr12-47844928-G-A. GRCh37 (hg19) VCF-style: chr12-48238711-G-A.
Other names: c.1102C>T, p.Arg368Cys (NM_001017535.2, NM_001364085.2, NM_001374661.1 and 1 more transcripts); c.1252C>T, p.Arg418Cys (NM_001017536.2); short protein forms R368C, R418C.
Identifiers: ClinVar variation 1038635 (VCV001038635.7), dbSNP rs78942213, ClinGen allele CA6533751.